The following is an entry in ClinVar:

ClinVar aggregate classification (germline): Conflicting classifications of pathogenicity. Review status: criteria provided, conflicting classifications (1 of 4 stars). 3 submissions from 3 submitters: Pathogenic (1); Likely pathogenic (1); Uncertain significance (1). Last evaluated 2022-06-30.

Conditions:
Pelizaeus-Merzbacher disease. Also called: Pelizaeus-Merzbacher Disease (PMD); LEUKODYSTROPHY, HYPOMYELINATING, 1; Sudanophilic leukodystrophy; Pelizaeus-Merzbacher spectrum disorder; Pelizeaus-Merzbacher spectrum disorder. Identifiers: Orphanet 702, MedGen C0205711, MONDO:0010714, OMIM 312080, HP:0003269.
Hereditary spastic paraplegia 2 (SPG2). Also called: Spastic Paraplegia 2 (SPG2); SPASTIC PARAPLEGIA 2, X-LINKED. Identifiers: Orphanet 99015, MedGen C0751604, MONDO:0010733, OMIM 312920.

Submissions (3):

Department of Genetics, Sultan Qaboos University Hospital
Classification: Pathogenic for Pelizaeus-Merzbacher disease. Last evaluated: 2022-06-30. Review status: criteria provided, single submitter. Criteria: ACMG Guidelines, 2015. Collection method: clinical testing. Allele origin: germline.

Labcorp Genetics (formerly Invitae), Labcorp
Classification: Uncertain significance for Hereditary spastic paraplegia 2. Last evaluated: 2021-12-24. Review status: criteria provided, single submitter. Criteria: Invitae Variant Classification Sherloc (09022015). Collection method: clinical testing. Allele origin: germline.
Comment: In summary, the available evidence is currently insufficient to determine the role of this variant in disease. Therefore, it has been classified as a Variant of Uncertain Significance. This variant disrupts the p.Trp212 amino acid residue in PLP1. Other variant(s) that disrupt this residue have been observed in individuals with PLP1-related conditions (PMID: 22695888), which suggests that this may be a clinically significant amino acid residue. Algorithms developed to predict the effect of missense changes on protein structure and function are either unavailable or do not agree on the potential impact of this missense change (SIFT: "Not Available"; PolyPhen-2: "Probably Damaging"; Align-GVGD: "Not Available"). This variant is also known as W211R. This missense change has been observed in individuals with PLP1-related conditions (PMID: 11093273, 21679407; Invitae). This variant is not present in population databases (gnomAD no frequency). This sequence change replaces tryptophan, which is neutral and slightly polar, with arginine, which is basic and polar, at codon 212 of the PLP1 protein (p.Trp212Arg).

Molecular Diagnostics Lab, Nemours Children's Health, Delaware
Classification: Likely pathogenic for Pelizaeus-Merzbacher disease. Last evaluated: 2021-12-21. Review status: criteria provided, single submitter. Criteria: ACMG Guidelines, 2015. Collection method: clinical testing. Allele origin: unknown. Inheritance: X-linked inheritance. Affected: yes. Observed: 1 hemizygote.
Comment: This missense variant (c.634T>C, p.Trp212Arg) has not been observed in population databases (gnomAD). It has been described in the literature (PMID 11093273). Variant prediction programs support a deleterious effect on the protein, although no functional studies have been published.

Literature cited by the submitters: PubMed 22695888 (cited by Labcorp Genetics (formerly Invitae), Labcorp); PubMed 11093273 (cited by Labcorp Genetics (formerly Invitae), Labcorp and Molecular Diagnostics Lab, Nemours Children's Health, Delaware); PubMed 21679407 (cited by Labcorp Genetics (formerly Invitae), Labcorp).

NM_000533.5(PLP1):c.634T>C (p.Trp212Arg)

Genes: PLP1 (proteolipid protein 1; plus strand), RAB9B (RAB9B, member RAS oncogene family; minus strand). Cytogenetic location: Xq22.2.
Variant type: single nucleotide variant.
Coding change: c.634T>C on transcript NM_000533.5 (MANE Select); coding-DNA position 634, T replaced by C.
Protein change: p.Trp212Arg; replaces tryptophan 212 with arginine.
Molecular consequence: missense variant.
Genome position (GRCh38, 1-based): chrX:103,788,448, T>C. VCF-style: chrX-103788448-T-C. GRCh37 (hg19) VCF-style: chrX-103043377-T-C.
Other names: c.634T>C, p.Trp212Arg (NM_001128834.3); c.469T>C, p.Trp157Arg (NM_001305004.1); c.529T>C, p.Trp177Arg (NM_199478.3); c.634T>C (NM_000533.4); short protein forms W212R, W157R, W177R.
Identifiers: ClinVar variation 1410675 (VCV001410675.12), dbSNP rs2147766937, ClinGen allele CA414104236.